The following is an entry in ClinVar:

ClinVar aggregate classification (germline): Uncertain significance (1 of 4 stars; one submission).

Conditions:
Snijders Blok-Campeau syndrome. Also called: INTELLECTUAL DEVELOPMENTAL DISORDER WITH MACROCEPHALY, SPEECH DELAY, AND DYSMORPHIC FACIES. Identifiers: Orphanet 599082, MedGen C4748701, MONDO:0032600, OMIM 618205.

Submission:

3billion
Classification: Uncertain significance for Snijders Blok-Campeau syndrome. Last evaluated: 2026-01-06. Review status: criteria provided, single submitter. Criteria: ACMG Guidelines, 2015. Collection method: clinical testing. Allele origin: germline. Affected: yes.
Comment: The variant is not observed in the gnomAD v4.1.0 dataset. Predicted Consequence/Location: Missense variant In silico tool predictions suggest damaging effect of the variant on gene or gene product [REVEL: 0.92 (>=0.6, sensitivity 0.68 and specificity 0.92)]. Different missense changes at the same codon have been reported as of uncertain significance (ClinVar ID: VCV001879360). However, the evidence of pathogenicity is insufficient at this time. Therefore, this variant is classified as VUS according to the recommendation of ACMG/AMP guideline.

NM_001005273.3(CHD3):c.4384C>T (p.His1462Tyr)

Gene: CHD3 (chromodomain helicase DNA binding protein 3; plus strand). Cytogenetic location: 17p13.1.
Variant type: single nucleotide variant.
Coding change: c.4384C>T on transcript NM_001005273.3 (MANE Select); coding-DNA position 4384, C replaced by T.
Protein change: p.His1462Tyr; replaces histidine 1462 with tyrosine.
Molecular consequence: missense variant.
Genome position (GRCh38, 1-based): chr17:7,906,578, C>T. VCF-style: chr17-7906578-C-T. GRCh37 (hg19) VCF-style: chr17-7809896-C-T.
Other names: c.4561C>T, p.His1521Tyr (NM_001005271.3, NM_001437504.1); c.4549C>T, p.His1517Tyr (NM_001437507.1, NM_001437508.1, NM_001437509.1); c.4384C>T, p.His1462Tyr (NM_005852.4); short protein forms H1462Y, H1517Y, H1521Y.
Identifiers: ClinVar variation 4854040 (VCV004854040.1).